The following is an entry in ClinVar:

ClinVar aggregate classification (germline): Uncertain significance (1 of 4 stars; one submission).

Conditions:
Autoimmune lymphoproliferative syndrome type 1. Also called: AUTOIMMUNE LYMPHOPROLIFERATIVE SYNDROME, TYPE I, AUTOSOMAL DOMINANT. Identifiers: Orphanet 3261, MedGen C2717884, MONDO:0011158, OMIM 601859.

Submission:

Labcorp Genetics (formerly Invitae), Labcorp
Classification: Uncertain significance for Autoimmune lymphoproliferative syndrome. Last evaluated: 2023-02-03. Review status: criteria provided, single submitter. Criteria: Invitae Variant Classification Sherloc (09022015). Collection method: clinical testing. Allele origin: germline.
Comment: Algorithms developed to predict the effect of sequence changes on RNA splicing suggest that this variant may disrupt the consensus splice site. In summary, the available evidence is currently insufficient to determine the role of this variant in disease. Therefore, it has been classified as a Variant of Uncertain Significance. This variant has not been reported in the literature in individuals affected with FASLG-related conditions. This sequence change falls in intron 3 of the FASLG gene. It does not directly change the encoded amino acid sequence of the FASLG protein. This variant is not present in population databases (gnomAD no frequency).

NM_000639.3(FASLG):c.452-13G>A

Gene: FASLG (Fas ligand; plus strand). Cytogenetic location: 1q24.3.
Variant type: single nucleotide variant.
Coding change: c.452-13G>A on transcript NM_000639.3 (MANE Select); 13 bases into the intron before coding-DNA position 452, G replaced by A.
Molecular consequence: intron variant.
Genome position (GRCh38, 1-based): chr1:172,665,609, G>A. VCF-style: chr1-172665609-G-A. GRCh37 (hg19) VCF-style: chr1-172634749-G-A.
Other names: c.*22-13G>A (NM_001302746.2).
Identifiers: ClinVar variation 2834260 (VCV002834260.3), dbSNP rs2527597289, ClinGen allele CA2739275400.